The following is an entry in ClinVar:

NM_006005.3(WFS1):c.106G>C (p.Glu36Gln)

Gene: WFS1 (wolframin ER transmembrane glycoprotein; plus strand). Cytogenetic location: 4p16.1.
Variant type: single nucleotide variant.
Coding change: c.106G>C on transcript NM_006005.3 (MANE Select); coding-DNA position 106, G replaced by C.
Protein change: p.Glu36Gln; replaces glutamic acid 36 with glutamine.
Molecular consequence: missense variant.
Genome position (GRCh38, 1-based): chr4:6,277,561, G>C. VCF-style: chr4-6277561-G-C. GRCh37 (hg19) VCF-style: chr4-6279288-G-C.
Other names: c.106G>C, p.Glu36Gln (NM_001145853.1); short protein forms E36Q.
Identifiers: ClinVar variation 3727766 (VCV003727766.3).

ClinVar aggregate classification (germline): Uncertain significance. Review status: criteria provided, multiple submitters, no conflicts (2 of 4 stars). 2 submissions from 2 submitters: Uncertain significance (2). Last evaluated 2026-08-04.

Conditions:
WFS1-related disorder. Identifiers: MedGen CN379391, MONDO:0700293.

gnomAD v4.1: 25 of 1,589,648 alleles (0.0016%); highest among the groups gnomAD compares: Non-Finnish European, 0.0021%; no homozygotes.

Submissions (2):

PreventionGenetics, part of Exact Sciences
Classification: Uncertain significance for WFS1-related condition. Last evaluated: 2026-08-04. Review status: criteria provided, single submitter. Criteria: ACMG Guidelines, 2015. Collection method: clinical testing. Allele origin: germline.
Comment: The WFS1 c.106G>C variant is predicted to result in the amino acid substitution p.Glu36Gln. To our knowledge, this variant has not been reported in the literature. This variant is reported in 0.0019% of alleles in individuals of European (Non-Finnish) descent in gnomAD. At this time, the clinical significance of this variant is uncertain due to the absence of conclusive functional and genetic evidence.

Labcorp Genetics (formerly Invitae), Labcorp
Classification: Uncertain significance. Last evaluated: 2024-10-13. Review status: criteria provided, single submitter. Criteria: Invitae Variant Classification Sherloc (09022015). Collection method: clinical testing. Allele origin: germline.
Comment: This sequence change replaces glutamic acid, which is acidic and polar, with glutamine, which is neutral and polar, at codon 36 of the WFS1 protein (p.Glu36Gln). The frequency data for this variant in the population databases is considered unreliable, as metrics indicate poor data quality at this position in the gnomAD database. This variant has not been reported in the literature in individuals affected with WFS1-related conditions. Invitae Evidence Modeling of protein sequence and biophysical properties (such as structural, functional, and spatial information, amino acid conservation, physicochemical variation, residue mobility, and thermodynamic stability) indicates that this missense variant is not expected to disrupt WFS1 protein function with a negative predictive value of 80%. In summary, the available evidence is currently insufficient to determine the role of this variant in disease. Therefore, it has been classified as a Variant of Uncertain Significance.